The following is an entry in ClinVar:

NM_003384.3(VRK1):c.1117A>C (p.Thr373Pro)

Gene: VRK1 (VRK serine/threonine kinase 1; plus strand). Cytogenetic location: 14q32.2.
Variant type: single nucleotide variant.
Coding change: c.1117A>C on transcript NM_003384.3 (MANE Select); coding-DNA position 1117, A replaced by C.
Protein change: p.Thr373Pro; replaces threonine 373 with proline.
Molecular consequence: missense variant.
Genome position (GRCh38, 1-based): chr14:96,876,078, A>C. VCF-style: chr14-96876078-A-C. GRCh37 (hg19) VCF-style: chr14-97342415-A-C.
Other names: short protein forms T373P.
Identifiers: ClinVar variation 1437159 (VCV001437159.6), dbSNP rs199759408, ClinGen allele CA266092626.

ClinVar aggregate classification (germline): Uncertain significance (1 of 4 stars; one submission).

Conditions:
Pontocerebellar hypoplasia type 1A (PCH1A). Also called: PONTOCEREBELLAR HYPOPLASIA WITH ANTERIOR HORN CELL DISEASE; PONTOCEREBELLAR HYPOPLASIA WITH INFANTILE SPINAL MUSCULAR ATROPHY. Identifiers: Orphanet 2254, Orphanet 88616, MedGen C1843504, MONDO:0011866, OMIM 607596.

gnomAD v4.1: 5 of 1,613,728 alleles (0.00031%); highest among the groups gnomAD compares: Non-Finnish European, 0.00042%; no homozygotes.

Submission:

Labcorp Genetics (formerly Invitae), Labcorp
Classification: Uncertain significance for Pontocerebellar hypoplasia type 1A. Last evaluated: 2022-08-20. Review status: criteria provided, single submitter. Criteria: Invitae Variant Classification Sherloc (09022015). Collection method: clinical testing. Allele origin: germline.
Comment: This sequence change replaces threonine, which is neutral and polar, with proline, which is neutral and non-polar, at codon 373 of the VRK1 protein (p.Thr373Pro). This variant is present in population databases (rs199759408, gnomAD 0.0009%). This variant has not been reported in the literature in individuals affected with VRK1-related conditions. ClinVar contains an entry for this variant (Variation ID: 1437159). Algorithms developed to predict the effect of missense changes on protein structure and function (SIFT, PolyPhen-2, Align-GVGD) all suggest that this variant is likely to be tolerated. In summary, the available evidence is currently insufficient to determine the role of this variant in disease. Therefore, it has been classified as a Variant of Uncertain Significance.